The following is an entry in ClinVar:

NM_017617.5(NOTCH1):c.2372A>G (p.Asn791Ser)

Gene: NOTCH1 (notch receptor 1; minus strand). Cytogenetic location: 9q34.3.
Variant type: single nucleotide variant.
Coding change: c.2372A>G on transcript NM_017617.5 (MANE Select); coding-DNA position 2372, A replaced by G.
Protein change: p.Asn791Ser; replaces asparagine 791 with serine.
Molecular consequence: missense variant.
Genome position (GRCh38, 1-based): chr9:136,513,116, T>C on the plus strand (A>G on the coding strand, the complement: NOTCH1 is on the minus strand). VCF-style: chr9-136513116-T-C. GRCh37 (hg19) VCF-style: chr9-139407568-T-C.
Other names: short protein forms N791S.
Identifiers: ClinVar variation 1698929 (VCV001698929.2), dbSNP rs2133358146, ClinGen allele CA375556762.

ClinVar aggregate classification (germline): Uncertain significance (1 of 4 stars; one submission).

Conditions:
Adams-Oliver syndrome 5 (AOS5). Identifiers: Orphanet 974, MedGen C4014970, MONDO:0014459, OMIM 616028.

Allele frequency attached by ClinVar (database versions not stated): gnomAD exomes below 0.00001.
gnomAD v4.1: 6 of 1,612,920 alleles (0.00037%); highest among the groups gnomAD compares: Admixed American, 0.0017%; no homozygotes.

Submission:

Genetics and Molecular Pathology, SA Pathology
Classification: Uncertain significance for Adams-Oliver syndrome 5. Last evaluated: 2020-11-11. Review status: criteria provided, single submitter. Criteria: ACMG Guidelines, 2015. Collection method: clinical testing. Allele origin: germline. Inheritance: Autosomal dominant inheritance. Affected: yes.
Comment: The NOTCH1 c.2372A>G missense variant is classified as a VARIANT OF UNCERTAIN SIGNIFICANCE (PM2, PP3) The NOTCH1 c.2372A>G missense variant is a single nucleotide change in exon 15 of the NOTCH1 gene, which is predicted to change the amino acid asparagine at position 791 in the protein to serine. This variant has not been reported in dbSNP and is absent from the population databases (PM2). This variant has not been reported in the ClinVar or HGMD disease databases. Computational predictions support a deleterious effect on the gene or gene product (PP3).

Literature cited by the submitters: PubMed 27077170.